The following is an entry in ClinVar:

ClinVar aggregate classification (germline): Uncertain significance. Review status: criteria provided, multiple submitters, no conflicts (2 of 4 stars). 2 submissions from 2 submitters: Uncertain significance (2). Last evaluated 2025-04-02.

Conditions:
Long QT syndrome 10 (LQT10). Identifiers: Orphanet 101016, Orphanet 768, MedGen C2678484, MONDO:0012737, OMIM 611819.
Cardiovascular phenotype. Identifiers: MedGen CN230736.

Allele frequency attached by ClinVar (database versions not stated): TOPMed 0.00002; gnomAD 0.00003.
gnomAD v4.1: 6 of 1,613,958 alleles (0.00037%); highest among the groups gnomAD compares: African/African-American, 0.008%; no homozygotes.

Submissions (2):

Ambry Genetics
Classification: Uncertain significance for Cardiovascular phenotype. Last evaluated: 2025-04-02. Review status: criteria provided, single submitter. Criteria: Ambry Variant Classification Scheme 2023. Collection method: clinical testing. Allele origin: germline.
Comment: The p.N45H variant (also known as c.133A>C), located in coding exon 2 of the SCN4B gene, results from an A to C substitution at nucleotide position 133. The asparagine at codon 45 is replaced by histidine, an amino acid with similar properties. This amino acid position is conserved. In addition, the in silico prediction for this alteration is inconclusive. Based on the available evidence, the clinical significance of this variant remains unclear.

Labcorp Genetics (formerly Invitae), Labcorp
Classification: Uncertain significance for Long QT syndrome 10. Last evaluated: 2022-06-11. Review status: criteria provided, single submitter. Criteria: Invitae Variant Classification Sherloc (09022015). Collection method: clinical testing. Allele origin: germline.
Comment: In summary, the available evidence is currently insufficient to determine the role of this variant in disease. Therefore, it has been classified as a Variant of Uncertain Significance. Algorithms developed to predict the effect of missense changes on protein structure and function (SIFT, PolyPhen-2, Align-GVGD) all suggest that this variant is likely to be disruptive. This variant has not been reported in the literature in individuals affected with SCN4B-related conditions. This variant is present in population databases (no rsID available, gnomAD 0.02%). This sequence change replaces asparagine, which is neutral and polar, with histidine, which is basic and polar, at codon 45 of the SCN4B protein (p.Asn45His).

NM_174934.4(SCN4B):c.133A>C (p.Asn45His)

Gene: SCN4B (sodium voltage-gated channel beta subunit 4; minus strand). Cytogenetic location: 11q23.3.
Variant type: single nucleotide variant.
Coding change: c.133A>C on transcript NM_174934.4 (MANE Select); coding-DNA position 133, A replaced by C.
Protein change: p.Asn45His; replaces asparagine 45 with histidine.
Molecular consequence: missense variant. On other transcripts: 5 prime UTR variant (1), non-coding transcript variant (1), intron variant (1).
Genome position (GRCh38, 1-based): chr11:118,145,158, T>G on the plus strand (A>C on the coding strand, the complement: SCN4B is on the minus strand). VCF-style: chr11-118145158-T-G. GRCh37 (hg19) VCF-style: chr11-118015873-T-G.
Other names: c.-198A>C (NM_001142349.2); c.62-3822A>C (NM_001142348.2); short protein forms N45H.
Identifiers: ClinVar variation 2191803 (VCV002191803.5), dbSNP rs956132632, ClinGen allele CA382778823.